The following is an entry in ClinVar:

ClinVar aggregate classification (germline): Benign. Review status: criteria provided, multiple submitters, no conflicts (2 of 4 stars). 2 submissions from 2 submitters: Benign (2). Last evaluated 2018-06-14.

Allele frequency attached by ClinVar (database versions not stated): 1000 Genomes Project 30x 0.09525; gnomAD 0.13831 and 0.13391; gnomAD exomes 0.12136; 1000 Genomes Project 0.09465; TOPMed 0.13303.

Submissions (2):

GeneDx
Classification: Benign. Last evaluated: 2018-06-14. Review status: criteria provided, single submitter. Criteria: GeneDx Variant Classification (06012015). Collection method: clinical testing. Allele origin: germline. Affected: yes.
Comment: This variant is considered likely benign or benign based on one or more of the following criteria: it is a conservative change, it occurs at a poorly conserved position in the protein, it is predicted to be benign by multiple in silico algorithms, and/or has population frequency not consistent with disease.

Breakthrough Genomics
Classification: Benign. Review status: criteria provided, single submitter. Criteria: ACMG Guidelines, 2015. Collection method: not provided. Allele origin: germline. Inheritance: Autosomal recessive inheritance. Affected: yes.

NM_002949.3(MRPL12):c.-410G>A

Gene: MRPL12 (mitochondrial ribosomal protein L12; plus strand). Cytogenetic location: 17q25.3.
Variant type: single nucleotide variant.
Coding change: c.-410G>A on transcript NM_002949.3; 410 bases upstream of the start codon, G replaced by A.
Genome position (GRCh38, 1-based): chr17:81,703,092, G>A. VCF-style: chr17-81703092-G-A. GRCh37 (hg19) VCF-style: chr17-79670122-G-A.
Identifiers: ClinVar variation 669504 (VCV000669504.4), dbSNP rs8077959, ClinGen allele CA14470582.